The following is an entry in ClinVar:

ClinVar aggregate classification (germline): Conflicting classifications of pathogenicity. Review status: criteria provided, conflicting classifications (1 of 4 stars). 2 submissions from 2 submitters: Uncertain significance (1); Likely benign (1). Last evaluated 2025-07-24.

Conditions:
CHM-related disorder. Also called: CHM-related condition.

Allele frequency attached by ClinVar (database versions not stated): TOPMed below 0.00001; ExAC 0.00003.
gnomAD v4.1: 59 of 1,198,445 alleles (0.0049%); highest among the groups gnomAD compares: Non-Finnish European, 0.0063%; no homozygotes.

Submissions (2):

PreventionGenetics, part of Exact Sciences
Classification: Uncertain significance for CHM-related condition. Last evaluated: 2025-07-24. Review status: criteria provided, single submitter. Criteria: ACMG Guidelines, 2015. Collection method: clinical testing. Allele origin: germline.
Comment: The CHM c.1336C>T variant is predicted to result in the amino acid substitution p.Arg446Cys. To our knowledge, this variant has not been reported in the literature. This variant is reported in 0.0090% of alleles in individuals of European (Non-Finnish) descent in gnomAD, including 21 hemizygotes in the most recent dataset. Although we suspect that this variant may be benign, at this time, the clinical significance of this variant is uncertain due to the absence of conclusive functional and genetic evidence.

Labcorp Genetics (formerly Invitae), Labcorp
Classification: Likely benign. Last evaluated: 2024-02-04. Review status: criteria provided, single submitter. Criteria: Invitae Variant Classification Sherloc (09022015). Collection method: clinical testing. Allele origin: germline.

NM_000390.4(CHM):c.1336C>T (p.Arg446Cys)

Gene: CHM (CHM Rab escort protein; minus strand). Cytogenetic location: Xq21.2.
Variant type: single nucleotide variant.
Coding change: c.1336C>T on transcript NM_000390.4 (MANE Select); coding-DNA position 1336, C replaced by T.
Protein change: p.Arg446Cys; replaces arginine 446 with cysteine.
Molecular consequence: missense variant.
Genome position (GRCh38, 1-based): chrX:85,901,097, G>A on the plus strand (C>T on the coding strand, the complement: CHM is on the minus strand). VCF-style: chrX-85901097-G-A. GRCh37 (hg19) VCF-style: chrX-85156102-G-A.
Other names: c.892C>T, p.Arg298Cys (NM_001320959.1, NM_001362517.1, NM_001362518.2 and 1 more transcripts); c.1336C>T (NM_000390.3); short protein forms R446C, R298C.
Identifiers: ClinVar variation 2160975 (VCV002160975.5), dbSNP rs773682340, ClinGen allele CA10465413.